The following is an entry in ClinVar:

Conditions:
Long QT syndrome 5 (LQT5). Identifiers: Orphanet 101016, Orphanet 768, MedGen C1867904, MONDO:0013372, OMIM 613695.

Submission:

Roden Lab, Vanderbilt University Medical Center
No classification provided (evidence only). Condition: Long QT syndrome 5. Review status: no classification provided. Collection method: in vitro. Allele origin: not applicable. Functional consequence: Effect on ion channel function.
ClinVar note: "not provided" was previously submitted as the classification for the variant. However, the classification appeared to be based only on an observation of functional data so it was converted to no classification on 2025-07-30.

NM_000219.6(KCNE1):c.178G>C (p.Gly60Arg)

Gene: KCNE1 (potassium voltage-gated channel subfamily E regulatory subunit 1; minus strand). Cytogenetic location: 21q22.12.
Variant type: single nucleotide variant.
Coding change: c.178G>C on transcript NM_000219.6 (MANE Select); coding-DNA position 178, G replaced by C.
Protein change: p.Gly60Arg; replaces glycine 60 with arginine.
Molecular consequence: missense variant.
Genome position (GRCh38, 1-based): chr21:34,449,457, C>G on the plus strand (G>C on the coding strand, the complement: KCNE1 is on the minus strand). VCF-style: chr21-34449457-C-G. GRCh37 (hg19) VCF-style: chr21-35821755-C-G.
Other names: c.178G>C, p.Gly60Arg (NM_001127668.4, NM_001127669.4, NM_001127670.4 and 4 more transcripts); short protein forms G60R.
Identifiers: ClinVar variation 3374254 (VCV003374254.2).